The following is an entry in ClinVar:

ClinVar aggregate classification (germline): Conflicting classifications of pathogenicity. Review status: criteria provided, conflicting classifications (1 of 4 stars). 3 submissions from 2 submitters: Uncertain significance (1); Likely benign (2). Last evaluated 2022-11-01.

Conditions:
Tuberous sclerosis 1 (TSC1). Identifiers: Orphanet 805, MedGen C1854465, MONDO:0008612, OMIM 191100.
Isolated focal cortical dysplasia type II (FCORD2). Also called: Focal cortical dysplasia type II; CORTICAL DYSPLASIA OF TAYLOR. Identifiers: Orphanet 268994, MedGen C1846385, MONDO:0011818, OMIM 607341, HP:0032051.

Allele frequency attached by ClinVar (database versions not stated): TOPMed 0.00122; 1000 Genomes Project 0.00160.
gnomAD v4.1: 293 of 459,098 alleles (0.064%); highest among the groups gnomAD compares: African/African-American, 0.37%; no homozygotes.

Submissions (3):

CeGaT Center for Human Genetics Tuebingen
Classification: Likely benign. Last evaluated: 2022-11-01. Review status: criteria provided, single submitter. Criteria: CeGaT Center For Human Genetics Tuebingen Variant Classification Criteria Version 2. Collection method: clinical testing. Allele origin: germline. Affected: yes. Observed: 6 variant alleles.
Comment: TSC1: BS1

Illumina Laboratory Services, Illumina
Classification: Likely benign for Isolated focal cortical dysplasia type II. Last evaluated: 2018-01-13. Review status: criteria provided, single submitter. Criteria: ICSL Variant Classification Criteria 13 December 2019. Collection method: clinical testing. Allele origin: germline.
Comment: This variant was observed in the ICSL laboratory as part of a predisposition screen in an ostensibly healthy population. It had not been previously curated by ICSL or reported in the Human Gene Mutation Database (HGMD: prior to June 1st, 2018), and was therefore a candidate for classification through an automated scoring system. Utilizing variant allele frequency, disease prevalence and penetrance estimates, and inheritance mode, an automated score was calculated to assess if this variant is too frequent to cause the disease. Based on the score and internal cut-off values, a variant classified as likely benign is not then subjected to further curation. The score for this variant resulted in a classification of likely benign for this disease.

Illumina Laboratory Services, Illumina
Classification: Uncertain significance for Tuberous sclerosis 1. Last evaluated: 2018-01-13. Review status: criteria provided, single submitter. Criteria: ICSL Variant Classification Criteria 13 December 2019. Collection method: clinical testing. Allele origin: germline.

NM_000368.5(TSC1):c.*295C>A

Gene: TSC1 (TSC complex subunit 1; minus strand). Cytogenetic location: 9q34.13.
Variant type: single nucleotide variant.
Coding change: c.*295C>A on transcript NM_000368.5 (MANE Select); 295 bases downstream of the stop codon, C replaced by A.
Molecular consequence: 3 prime UTR variant.
Genome position (GRCh38, 1-based): chr9:132,895,940, G>T on the plus strand (C>A on the coding strand, the complement: TSC1 is on the minus strand). VCF-style: chr9-132895940-G-T. GRCh37 (hg19) VCF-style: chr9-135771327-G-T.
Other names: c.*295C>A (NM_001162426.2, NM_001162427.2, NM_001362177.2).
Identifiers: ClinVar variation 365503 (VCV000365503.36), dbSNP rs113549339, ClinGen allele CA10633024.